The following is an entry in ClinVar:

ClinVar aggregate classification (germline): Uncertain significance. Review status: criteria provided, multiple submitters, no conflicts (2 of 4 stars). 2 submissions from 2 submitters: Uncertain significance (2). Last evaluated 2024-07-30.

Conditions:
Candidiasis, familial, 9 (CANDF9). Identifiers: Orphanet 1334, MedGen C4225324, MONDO:0014642, OMIM 616445.

Allele frequency attached by ClinVar (database versions not stated): gnomAD 0.00001; TOPMed 0.00001.
gnomAD v4.1: 2 of 1,611,804 alleles (0.00012%); highest among the groups gnomAD compares: East Asian, 0.0022%; no homozygotes.

Submissions (2):

Ambry Genetics
Classification: Uncertain significance. Last evaluated: 2024-07-30. Review status: criteria provided, single submitter. Criteria: Ambry Variant Classification Scheme 2023. Collection method: clinical testing. Allele origin: germline.

Labcorp Genetics (formerly Invitae), Labcorp
Classification: Uncertain significance for Candidiasis, familial, 9. Last evaluated: 2022-08-10. Review status: criteria provided, single submitter. Criteria: Invitae Variant Classification Sherloc (09022015). Collection method: clinical testing. Allele origin: germline.
Comment: This sequence change replaces arginine, which is basic and polar, with glycine, which is neutral and non-polar, at codon 362 of the IL17RC protein (p.Arg362Gly). In summary, the available evidence is currently insufficient to determine the role of this variant in disease. Therefore, it has been classified as a Variant of Uncertain Significance. Algorithms developed to predict the effect of missense changes on protein structure and function output the following: SIFT: "Deleterious"; PolyPhen-2: "Benign"; Align-GVGD: "Class C0". The glycine amino acid residue is found in multiple mammalian species, which suggests that this missense change does not adversely affect protein function. ClinVar contains an entry for this variant (Variation ID: 1493012). This variant has not been reported in the literature in individuals affected with IL17RC-related conditions. This variant is present in population databases (no rsID available, gnomAD 0.005%).

NM_153460.4(IL17RC):c.871A>G (p.Arg291Gly)

Gene: IL17RC (interleukin 17 receptor C; plus strand). Cytogenetic location: 3p25.3.
Variant type: single nucleotide variant.
Coding change: c.871A>G on transcript NM_153460.4 (MANE Select); coding-DNA position 871, A replaced by G.
Protein change: p.Arg291Gly; replaces arginine 291 with glycine.
Molecular consequence: missense variant. On other transcripts: non-coding transcript variant (1).
Genome position (GRCh38, 1-based): chr3:9,928,214, A>G. VCF-style: chr3-9928214-A-G. GRCh37 (hg19) VCF-style: chr3-9969898-A-G.
Other names: c.871A>G, p.Arg291Gly (NM_001203263.2, NM_001203264.2); c.826A>G, p.Arg276Gly (NM_001203265.2, NM_001367280.1, NM_032732.6); c.832A>G, p.Arg278Gly (NM_001367278.1); c.751A>G, p.Arg251Gly (NM_001367279.1); c.1084A>G, p.Arg362Gly (NM_153461.4); c.1084A>G (NM_153461.3); short protein forms R278G, R362G, R276G, R291G, R251G.
Identifiers: ClinVar variation 1493012 (VCV001493012.9), dbSNP rs999635399, ClinGen allele CA70018227.
Genomic context (GRCh38, chr3:9,928,214, plus strand): 5'-TTTCCTTTCCAGGTGTGGCCTCTGGAACCTGACTCCGTTAGGACGAACATCTGCCCCTTC[A>G]GGGAGGGTGAGCCGACCGGCCTGGGGCTGGGGTTGGGGTGTTGCGAGCGATGGGTACCTG-3'
Protein context (NP_703190.2, residues 281-301): DSVRTNICPF[Arg291Gly]EDPRAHQNLW